The following is an entry in ClinVar:

ClinVar aggregate classification (germline): Uncertain significance. Review status: criteria provided, multiple submitters, no conflicts (2 of 4 stars). 2 submissions from 2 submitters: Uncertain significance (2). Last evaluated 2025-02-25.

Allele frequency attached by ClinVar (database versions not stated): gnomAD 0.00002; ExAC 0.00001; TOPMed 0.00002.

Submissions (2):

Labcorp Genetics (formerly Invitae), Labcorp
Classification: Uncertain significance. Last evaluated: 2025-02-25. Review status: criteria provided, single submitter. Criteria: Invitae Variant Classification Sherloc (09022015). Collection method: clinical testing. Allele origin: germline.
Comment: This sequence change replaces leucine, which is neutral and non-polar, with histidine, which is basic and polar, at codon 1001 of the TLR7 protein (p.Leu1001His). This variant is present in population databases (rs778023162, gnomAD 0.004%). This variant has not been reported in the literature in individuals affected with TLR7-related conditions. ClinVar contains an entry for this variant (Variation ID: 3178057). An algorithm developed to predict the effect of missense changes on protein structure and function (PolyPhen-2) suggests that this variant is likely to be disruptive. In summary, the available evidence is currently insufficient to determine the role of this variant in disease. Therefore, it has been classified as a Variant of Uncertain Significance.

Ambry Genetics
Classification: Uncertain significance. Last evaluated: 2024-01-16. Review status: criteria provided, single submitter. Criteria: Ambry Variant Classification Scheme 2023. Collection method: clinical testing. Allele origin: germline.

NM_016562.4(TLR7):c.3002T>A (p.Leu1001His)

Gene: TLR7 (toll like receptor 7; plus strand). Cytogenetic location: Xp22.2.
Variant type: single nucleotide variant.
Coding change: c.3002T>A on transcript NM_016562.4 (MANE Select); coding-DNA position 3002, T replaced by A.
Protein change: p.Leu1001His; replaces leucine 1001 with histidine.
Molecular consequence: missense variant.
Genome position (GRCh38, 1-based): chrX:12,888,510, T>A. VCF-style: chrX-12888510-T-A. GRCh37 (hg19) VCF-style: chrX-12906629-T-A.
Other names: short protein forms L1001H.
Identifiers: ClinVar variation 3178057 (VCV003178057.2), dbSNP rs778023162, ClinGen allele CA10350122.
Genomic context (GRCh38, chrX:12,888,510, plus strand): 5'-AAAAAGTTGATGTGATTATCTTGATATTTCTTGAGAAGCCCTTTCAGAAGTCCAAGTTCC[T>A]CCAGCTCCGGAAAAGGCTCTGTGGGAGTTCTGTCCTTGAGTGGCCAACAAACCCGCAAGC-3'
Protein context (NP_057646.1, residues 991-1011): LEKPFQKSKF[Leu1001His]QLRKRLCGSS